The following is an entry in ClinVar:

NM_138477.4(CDAN1):c.352C>G (p.Arg118Gly)

Genes: CDAN1 (codanin 1; minus strand), LOC130056931 (ATAC-STARR-seq lymphoblastoid silent region 6376; plus strand). Cytogenetic location: 15q15.2.
Variant type: single nucleotide variant.
Coding change: c.352C>G on transcript NM_138477.4 (MANE Select); coding-DNA position 352, C replaced by G.
Protein change: p.Arg118Gly; replaces arginine 118 with glycine.
Molecular consequence: missense variant.
Genome position (GRCh38, 1-based): chr15:42,736,519, G>C on the plus strand (C>G on the coding strand, the complement: CDAN1 is on the minus strand). VCF-style: chr15-42736519-G-C. GRCh37 (hg19) VCF-style: chr15-43028717-G-C.
Other names: short protein forms R118G.
Identifiers: ClinVar variation 4734854 (VCV004734854.1).

ClinVar aggregate classification (germline): Uncertain significance (1 of 4 stars; one submission).

Submission:

Labcorp Genetics (formerly Invitae), Labcorp
Classification: Uncertain significance. Last evaluated: 2026-01-06. Review status: criteria provided, single submitter. Criteria: Invitae Variant Classification Sherloc (09022015). Collection method: clinical testing. Allele origin: germline.
Comment: This sequence change replaces arginine, which is basic and polar, with glycine, which is neutral and non-polar, at codon 118 of the CDAN1 protein (p.Arg118Gly). This variant is not present in population databases (gnomAD no frequency). This variant has not been reported in the literature in individuals affected with CDAN1-related conditions. An algorithm developed to predict the effect of missense changes on protein structure and function (PolyPhen-2) suggests that this variant is likely to be disruptive. In summary, the available evidence is currently insufficient to determine the role of this variant in disease. Therefore, it has been classified as a Variant of Uncertain Significance.